The following is an entry in ClinVar:

NM_000372.5(TYR):c.538C>A (p.His180Asn)

Gene: TYR (tyrosinase; plus strand). Cytogenetic location: 11q14.3.
Variant type: single nucleotide variant.
Coding change: c.538C>A on transcript NM_000372.5 (MANE Select); coding-DNA position 538, C replaced by A.
Protein change: p.His180Asn; replaces histidine 180 with asparagine.
Molecular consequence: missense variant.
Genome position (GRCh38, 1-based): chr11:89,178,491, C>A. VCF-style: chr11-89178491-C-A. GRCh37 (hg19) VCF-style: chr11-88911659-C-A.
Other names: short protein forms H180N.
Identifiers: ClinVar variation 3629497 (VCV003629497.2).

ClinVar aggregate classification (germline): Uncertain significance (1 of 4 stars; one submission).

gnomAD v4.1: 1 of 1,614,106 alleles (0.000062%); highest among the groups gnomAD compares: South Asian, 0.0011%; no homozygotes.

Submission:

Women's Health and Genetics/Laboratory Corporation of America, LabCorp
Classification: Uncertain significance. Last evaluated: 2024-11-27. Review status: criteria provided, single submitter. Criteria: LabCorp Variant Classification Summary - May 2015. Collection method: clinical testing. Allele origin: germline.
Comment: Variant summary: TYR c.538C>A (p.His180Asn) results in a conservative amino acid change in the encoded protein sequence. Four of five in-silico tools predict a damaging effect of the variant on protein function. The variant allele was found at a frequency of 4e-06 in 251442 control chromosomes (gnomAD). The available data on variant occurrences in the general population are insufficient to allow any conclusion about variant significance. c.538C>A has been reported in the literature in individuals affected with Oculocutaneous Albinism (Opitz_2004, Wei_2022). These data do not allow any conclusion about variant significance. To our knowledge, no experimental evidence demonstrating an impact on protein function has been reported. The following publications have been ascertained in the context of this evaluation (PMID: 15146472, 34838614). No submitters have cited clinical-significance assessments for this variant to ClinVar. Based on the evidence outlined above, the variant was classified as uncertain significance.

Literature cited by the submitters: PubMed 34838614; PubMed 15146472.